The following is an entry in ClinVar:

NM_030777.4(SLC2A10):c.152T>C (p.Val51Ala)

Gene: SLC2A10 (solute carrier family 2 member 10; plus strand). Cytogenetic location: 20q13.12.
Variant type: single nucleotide variant.
Coding change: c.152T>C on transcript NM_030777.4 (MANE Select); coding-DNA position 152, T replaced by C.
Protein change: p.Val51Ala; replaces valine 51 with alanine.
Molecular consequence: missense variant.
Genome position (GRCh38, 1-based): chr20:46,725,188, T>C. VCF-style: chr20-46725188-T-C. GRCh37 (hg19) VCF-style: chr20-45353827-T-C.
Other names: short protein forms V51A.
Identifiers: ClinVar variation 2442859 (VCV002442859.3), dbSNP rs1456073665, ClinGen allele CA409266452.
Genomic context (GRCh38, chr20:46,725,188, plus strand): 5'-GTGCCCTGCTGCCACTGCAGCTTGACTTTGGGCTAAGCTGCTTGGAGCAGGAGTTCCTGG[T>C]GGGCAGCCTGCTCCTGGGGGCTCTCCTCGCCTCCCTGGTTGGTGGCTTCCTCATTGACTG-3'
Protein context (NP_110404.1, residues 41-61): GLSCLEQEFL[Val51Ala]GSLLLGALLA

ClinVar aggregate classification (germline): Uncertain significance. Review status: criteria provided, multiple submitters, no conflicts (2 of 4 stars). 2 submissions from 2 submitters: Uncertain significance (2). Last evaluated 2024-01-10.

Conditions:
Familial thoracic aortic aneurysm and aortic dissection (TAAD). Also called: Thoracic aortic aneurysms and dissections. Identifiers: Orphanet 91387, MedGen C4707243, MONDO:0019625.

Allele frequency attached by ClinVar (database versions not stated): gnomAD exomes below 0.00001; TOPMed below 0.00001; gnomAD 0.00001.

Submissions (2):

GeneDx
Classification: Uncertain significance. Last evaluated: 2024-01-10. Review status: criteria provided, single submitter. Criteria: GeneDx Variant Classification Process June 2021. Collection method: clinical testing. Allele origin: germline. Affected: yes.
Comment: Not observed at significant frequency in large population cohorts (gnomAD); In silico analysis supports that this missense variant has a deleterious effect on protein structure/function; Has not been previously published as pathogenic or benign to our knowledge

CHEO Genetics Diagnostic Laboratory, Children's Hospital of Eastern Ontario
Classification: Uncertain significance for Familial thoracic aortic aneurysm and aortic dissection. Last evaluated: 2022-02-14. Review status: criteria provided, single submitter. Criteria: ACMG Guidelines, 2015. Collection method: clinical testing. Allele origin: germline.